The following is an entry in ClinVar:

ClinVar aggregate classification (germline): Uncertain significance. Review status: criteria provided, multiple submitters, no conflicts (2 of 4 stars). 2 submissions from 2 submitters: Uncertain significance (2). Last evaluated 2026-09-10.

Conditions:
EGFR-related lung cancer (EGFR). Identifiers: MedGen CN130014.
Hereditary cancer-predisposing syndrome. Also called: Hereditary Cancer Syndrome; Hereditary neoplastic syndrome; Neoplastic Syndromes, Hereditary; Tumor predisposition. Identifiers: Orphanet 140162, MedGen C0027672, MeSH D009386, MONDO:0015356.

gnomAD v4.1: 1 of 1,614,206 alleles (0.000062%); highest among the groups gnomAD compares: Non-Finnish European, 0.000085%; no homozygotes.

Submissions (2):

Ambry Genetics
Classification: Uncertain significance for Hereditary cancer-predisposing syndrome. Last evaluated: 2026-09-10. Review status: criteria provided, single submitter. Criteria: Ambry Variant Classification Scheme 2023. Collection method: clinical testing. Allele origin: germline.
Comment: The p.D800G variant (also known as c.2399A>G), located in coding exon 20 of the EGFR gene, results from an A to G substitution at nucleotide position 2399. The aspartic acid at codon 800 is replaced by glycine, an amino acid with similar properties. This amino acid position is highly conserved in available vertebrate species. In addition, this alteration is predicted to be deleterious by in silico analysis. Based on the available evidence, the clinical significance of this variant remains unclear.

Labcorp Genetics (formerly Invitae), Labcorp
Classification: Uncertain significance for EGFR-related lung cancer. Last evaluated: 2025-08-09. Review status: criteria provided, single submitter. Criteria: Invitae Variant Classification Sherloc (09022015). Collection method: clinical testing. Allele origin: germline.
Comment: This sequence change replaces aspartic acid, which is acidic and polar, with glycine, which is neutral and non-polar, at codon 800 of the EGFR protein (p.Asp800Gly). This variant is not present in population databases (gnomAD no frequency). This variant has not been reported in the literature in individuals affected with EGFR-related conditions. Invitae Evidence Modeling of protein sequence and biophysical properties (such as structural, functional, and spatial information, amino acid conservation, physicochemical variation, residue mobility, and thermodynamic stability) indicates that this missense variant is not expected to disrupt EGFR protein function with a negative predictive value of 80%. In summary, the available evidence is currently insufficient to determine the role of this variant in disease. Therefore, it has been classified as a Variant of Uncertain Significance.

NM_005228.5(EGFR):c.2399A>G (p.Asp800Gly)

Genes: EGFR (epidermal growth factor receptor; plus strand), EGFR-AS1 (EGFR antisense RNA 1; minus strand). Cytogenetic location: 7p11.2.
Variant type: single nucleotide variant.
Coding change: c.2399A>G on transcript NM_005228.5 (MANE Select); coding-DNA position 2399, A replaced by G.
Protein change: p.Asp800Gly; replaces aspartic acid 800 with glycine.
Molecular consequence: missense variant. On other transcripts: non-coding transcript variant (1).
Genome position (GRCh38, 1-based): chr7:55,181,408, A>G. VCF-style: chr7-55181408-A-G. GRCh37 (hg19) VCF-style: chr7-55249101-A-G.
Other names: c.2264A>G, p.Asp755Gly (NM_001346897.2, NM_001346899.2); c.2399A>G, p.Asp800Gly (NM_001346898.2); c.2240A>G, p.Asp747Gly (NM_001346900.2); c.1598A>G, p.Asp533Gly (NM_001346941.2); short protein forms D800G, D747G, D533G, D755G.
Identifiers: ClinVar variation 4769801 (VCV004769801.2).
Genomic context (GRCh38, chr7:55,181,408, plus strand): 5'-TCTGCCTCACCTCCACCGTGCAGCTCATCACGCAGCTCATGCCCTTCGGCTGCCTCCTGG[A>G]CTATGTCCGGGAACACAAAGACAATATTGGCTCCCAGTACCTGCTCAACTGGTGTGTGCA-3'
Protein context (NP_005219.2, residues 790-810): TQLMPFGCLL[Asp800Gly]YVREHKDNIG